The following is an entry in ClinVar:

NM_001354930.2(RIPK1):c.1114C>T (p.Pro372Ser)

Gene: RIPK1 (receptor interacting serine/threonine kinase 1; plus strand). Cytogenetic location: 6p25.2.
Variant type: single nucleotide variant.
Coding change: c.1114C>T on transcript NM_001354930.2 (MANE Select); coding-DNA position 1114, C replaced by T.
Protein change: p.Pro372Ser; replaces proline 372 with serine.
Molecular consequence: missense variant.
Genome position (GRCh38, 1-based): chr6:3,105,589, C>T. VCF-style: chr6-3105589-C-T. GRCh37 (hg19) VCF-style: chr6-3105823-C-T.
Other names: c.625C>T, p.Pro209Ser (NM_001317061.3, NM_001354932.2, NM_001354933.2 and 1 more transcripts); c.976C>T, p.Pro326Ser (NM_001354931.2); c.1114C>T, p.Pro372Ser (NM_003804.6); short protein forms P372S, P326S, P209S.
Identifiers: ClinVar variation 1363902 (VCV001363902.8), dbSNP rs749361048, ClinGen allele CA3618379.

ClinVar aggregate classification (germline): Uncertain significance (1 of 4 stars; one submission).

Allele frequency attached by ClinVar (database versions not stated): ExAC 0.00002.
gnomAD v4.1: 8 of 1,613,948 alleles (0.0005%); highest among the groups gnomAD compares: Admixed American, 0.012%; no homozygotes.

Submission:

Labcorp Genetics (formerly Invitae), Labcorp
Classification: Uncertain significance. Last evaluated: 2025-12-01. Review status: criteria provided, single submitter. Criteria: Invitae Variant Classification Sherloc (09022015). Collection method: clinical testing. Allele origin: germline.
Comment: This sequence change replaces proline, which is neutral and non-polar, with serine, which is neutral and polar, at codon 372 of the RIPK1 protein (p.Pro372Ser). This variant is present in population databases (rs749361048, gnomAD 0.02%). This variant has not been reported in the literature in individuals affected with RIPK1-related conditions. ClinVar contains an entry for this variant (Variation ID: 1363902). An algorithm developed to predict the effect of missense changes on protein structure and function outputs the following: PolyPhen-2: "Benign". The serine amino acid residue is found in multiple mammalian species, which suggests that this missense change does not adversely affect protein function. In summary, the available evidence is currently insufficient to determine the role of this variant in disease. Therefore, it has been classified as a Variant of Uncertain Significance.